The following is an entry in ClinVar:

ClinVar aggregate classification (germline): Uncertain significance (1 of 4 stars; one submission).

Conditions:
Cardiovascular phenotype. Identifiers: MedGen CN230736.

Submission:

Ambry Genetics
Classification: Uncertain significance for Cardiovascular phenotype. Last evaluated: 2025-02-05. Review status: criteria provided, single submitter. Criteria: Ambry Variant Classification Scheme 2023. Collection method: clinical testing. Allele origin: germline.
Comment: The p.R78S variant (also known as c.232C>A), located in coding exon 1 of the DES gene, results from a C to A substitution at nucleotide position 232. The arginine at codon 78 is replaced by serine, an amino acid with dissimilar properties. This amino acid position is well conserved in available vertebrate species. In addition, this alteration is predicted to be tolerated by in silico analysis. Based on the available evidence, the clinical significance of this variant remains unclear.

NM_001927.4(DES):c.232C>A (p.Arg78Ser)

Gene: DES (desmin; plus strand). Cytogenetic location: 2q35.
Variant type: single nucleotide variant.
Coding change: c.232C>A on transcript NM_001927.4 (MANE Select); coding-DNA position 232, C replaced by A.
Protein change: p.Arg78Ser; replaces arginine 78 with serine.
Molecular consequence: missense variant.
Genome position (GRCh38, 1-based): chr2:219,418,694, C>A. VCF-style: chr2-219418694-C-A. GRCh37 (hg19) VCF-style: chr2-220283416-C-A.
Other names: c.232C>A, p.Arg78Ser (NM_001382708.1, NM_001382709.1, NM_001382710.1 and 3 more transcripts); short protein forms R78S.
Identifiers: ClinVar variation 3839556 (VCV003839556.1).